The following is an entry in ClinVar:

NM_052947.4(ALPK2):c.3942T>A (p.His1314Gln)

Genes: ALPK2 (alpha kinase 2; minus strand), LOC126862764 (BRD4-independent group 4 enhancer GRCh37_chr18:56202574-56203773; plus strand). Cytogenetic location: 18q21.31.
Variant type: single nucleotide variant.
Coding change: c.3942T>A on transcript NM_052947.4 (MANE Select); coding-DNA position 3942, T replaced by A.
Protein change: p.His1314Gln; replaces histidine 1314 with glutamine.
Molecular consequence: missense variant.
Genome position (GRCh38, 1-based): chr18:58,536,245, A>T on the plus strand (T>A on the coding strand, the complement: ALPK2 is on the minus strand). VCF-style: chr18-58536245-A-T. GRCh37 (hg19) VCF-style: chr18-56203477-A-T.
Other names: short protein forms H1314Q.
Identifiers: ClinVar variation 1736364 (VCV001736364.2), dbSNP rs138709944, ClinGen allele CA8976805.

ClinVar aggregate classification (germline): Uncertain significance (1 of 4 stars; one submission).

Allele frequency attached by ClinVar (database versions not stated): ESP Exome Variant Server 0.00008.

Submission:

Ambry Genetics
Classification: Uncertain significance. Last evaluated: 2022-10-12. Review status: criteria provided, single submitter. Criteria: Ambry Variant Classification Scheme 2023. Collection method: clinical testing. Allele origin: germline.
Comment: The p.H1314Q variant (also known as c.3942T>A), located in coding exon 4 of the ALPK2 gene, results from a T to A substitution at nucleotide position 3942. The histidine at codon 1314 is replaced by glutamine, an amino acid with highly similar properties. This amino acid position is conserved. In addition, this alteration is predicted to be tolerated by in silico analysis. Since supporting evidence is limited at this time, the clinical significance of this alteration remains unclear.